The following is an entry in ClinVar:

NM_017739.4(POMGNT1):c.950+1G>A

Genes: POMGNT1 (protein O-linked mannose N-acetylglucosaminyltransferase 1 (beta 1,2-); minus strand), TSPAN1 (tetraspanin 1; plus strand). Cytogenetic location: 1p34.1.
Variant type: single nucleotide variant.
Coding change: c.950+1G>A on transcript NM_017739.4 (MANE Select); the canonical splice donor site of the intron after coding-DNA position 950, G replaced by A.
Molecular consequence: splice donor variant.
Genome position (GRCh38, 1-based): chr1:46,193,854, C>T on the plus strand (G>A on the coding strand, the complement: POMGNT1 is on the minus strand). VCF-style: chr1-46193854-C-T. GRCh37 (hg19) VCF-style: chr1-46659526-C-T.
Other names: c.950+1G>A (NM_001243766.2, NM_001438686.1, NM_001438688.1 and 3 more transcripts); c.884+1G>A (NM_001290129.3, NM_001438691.1, NM_001438692.1); c.521+1G>A (NM_001290130.2).
Identifiers: ClinVar variation 5006795 (VCV005006795.2).

ClinVar aggregate classification (germline): Likely pathogenic (1 of 4 stars; one submission).

Conditions:
Retinitis pigmentosa 76 (RP76). Identifiers: MedGen C4310704, MONDO:0014929, OMIM 617123.
Muscular dystrophy-dystroglycanopathy (congenital with brain and eye anomalies), type A3. Also called: WALKER-WARBURG SYNDROME OR MUSCLE-EYE-BRAIN DISEASE, POMGNT1-RELATED; Muscular dystrophy-dystroglycanopathy (congenital with brain and eye anomalies), type A, 3; Congenital muscular dystrophy-dystroglycanopathy with brain and eye anomalies, type A3. Identifiers: MedGen C3151519, MONDO:0009667, OMIM 253280.
Autosomal recessive limb-girdle muscular dystrophy type 2O. Also called: MUSCULAR DYSTROPHY-DYSTROGLYCANOPATHY (LIMB-GIRDLE), TYPE C, 3; MUSCULAR DYSTROPHY-DYSTROGLYCANOPATHY, LIMB-GIRDLE, POMGNT1-RELATED; Limb-Girdle Muscular Dystrophy Type 3C. Identifiers: Orphanet 206564, MedGen C3150417, MONDO:0013161, OMIM 613157.
Muscular dystrophy-dystroglycanopathy (congenital with impaired intellectual development), type B, 3. Also called: MUSCULAR DYSTROPHY, CONGENITAL, POMGNT1-RELATED; Muscular dystrophy-dystroglycanopathy (congenital with intellectual disability), type B3. Identifiers: MedGen C3150412, MONDO:0013155, OMIM 613151.

Submission:

Juno Genomics, Hangzhou Juno Genomics, Inc
Classification: Likely pathogenic for Muscular dystrophy-dystroglycanopathy (congenital with impaired intellectual development), type B, 3; Muscular dystrophy-dystroglycanopathy (congenital with brain and eye anomalies), type A3; Autosomal recessive limb-girdle muscular dystrophy type 2O; Retinitis pigmentosa 76. Review status: criteria provided, single submitter. Criteria: ACMG Guidelines, 2015. Collection method: clinical testing. Allele origin: germline.
Comment: Null variant in a gene where loss of function (LOF) is a known mechanism of disease.;Absent from controls (or at extremely low frequency if recessive) in Genome Aggregation Database.